The following is an entry in ClinVar:

NM_014946.4(SPAST):c.1268T>G (p.Val423Gly)

Gene: SPAST (spastin; plus strand). Cytogenetic location: 2p22.3.
Variant type: single nucleotide variant.
Coding change: c.1268T>G on transcript NM_014946.4 (MANE Select); coding-DNA position 1268, T replaced by G.
Protein change: p.Val423Gly; replaces valine 423 with glycine.
Molecular consequence: missense variant.
Genome position (GRCh38, 1-based): chr2:32,136,585, T>G. VCF-style: chr2-32136585-T-G. GRCh37 (hg19) VCF-style: chr2-32361654-T-G.
Other names: c.1265T>G, p.Val422Gly (NM_001363823.2); c.1169T>G, p.Val390Gly (NM_001363875.2); c.1172T>G, p.Val391Gly (NM_001377959.1, NM_199436.2); short protein forms V390G, V391G, V422G, V423G.
Identifiers: ClinVar variation 1693295 (VCV001693295.3), dbSNP rs2148753664, ClinGen allele CA346502032.

ClinVar aggregate classification (germline): Likely pathogenic (1 of 4 stars; one submission).

Conditions:
SPAST-related spastic paraplegia.

Submission:

Illumina Laboratory Services, Illumina
Classification: Likely pathogenic for SPAST-related spastic paraplegia. Last evaluated: 2022-03-01. Review status: criteria provided, single submitter. Criteria: ICSLVariantClassificationCriteria RUGD 01 April 2020. Collection method: clinical testing. Allele origin: unknown.
Comment: The SPAST c.1268T>G (p.Val423Gly) missense variant results in the substitution of valine at amino acid position 423 with glycine. To our knowledge, this variant has not been reported in the peer-reviewed literature. This variant is not found in version 2.1.1 or version 3.1.2 of the Genome Aggregation Database. The c.1268T>G variant lies within the AAA domain, which is reported to function in microtubule severing, and the majority of pathogenic SPAST missense variants are located in this domain (Chelban et al. 2017). Multiple lines of computational evidence suggest the variant may have a deleterious effect on the gene or gene product. This variant was identified in a de novo state. Based on the available evidence, the c.1268T>G (p.Val423Gly) variant is classified as likely pathogenic for hereditary spastic paraplegia.

Literature cited by the submitters: PubMed 16832076; PubMed 28572275.